The following is an entry in ClinVar:

ClinVar aggregate classification (germline): Uncertain significance. Review status: criteria provided, multiple submitters, no conflicts (2 of 4 stars). 2 submissions from 2 submitters: Uncertain significance (2). Last evaluated 2024-10-02.

Allele frequency attached by ClinVar (database versions not stated): gnomAD exomes 0.00001.
gnomAD v4.1: 9 of 1,610,422 alleles (0.00056%); highest among the groups gnomAD compares: Middle Eastern, 0.017%; no homozygotes.

Submissions (2):

GeneDx
Classification: Uncertain significance. Last evaluated: 2024-10-02. Review status: criteria provided, single submitter. Criteria: GeneDx Variant Classification Process June 2021. Collection method: clinical testing. Allele origin: germline. Affected: yes.
Comment: Reported in a child with dilated cardiomyopathy (PMID: 36178741); Not observed at significant frequency in large population cohorts (gnomAD); Missense variant in a gene in which most reported pathogenic variants are truncating/loss of function; Located in a region of TTN within the I-band in which the majority of loss of function variants are significantly associated with autosomal dominant titinopathies (PMID: 27625338, 27869827); This variant is associated with the following publications: (PMID: 36178741, 23975875)

CeGaT Center for Human Genetics Tuebingen
Classification: Uncertain significance. Last evaluated: 2024-04-01. Review status: criteria provided, single submitter. Criteria: CeGaT Center For Human Genetics Tuebingen Variant Classification Criteria Version 2. Collection method: clinical testing. Allele origin: germline. Affected: yes. Observed: 2 variant alleles.
Comment: TTN: PM2

NM_001267550.2(TTN):c.34283C>T (p.Pro11428Leu)

Gene: TTN (titin; minus strand). Cytogenetic location: 2q31.2.
Variant type: single nucleotide variant.
Coding change: c.34283C>T on transcript NM_001267550.2 (MANE Select); coding-DNA position 34283, C replaced by T.
Protein change: p.Pro11428Leu; replaces proline 11428 with leucine.
Molecular consequence: missense variant. On other transcripts: intron variant (3).
Genome position (GRCh38, 1-based): chr2:178,677,629, G>A on the plus strand (C>T on the coding strand, the complement: TTN is on the minus strand). VCF-style: chr2-178677629-G-A. GRCh37 (hg19) VCF-style: chr2-179542356-G-A.
Other names: c.33332C>T, p.Pro11111Leu (NM_001256850.1); c.30551C>T, p.Pro10184Leu (NM_133378.4); c.13283-35312C>T (NM_003319.4); c.13859-35312C>T (NM_133437.4); c.13658-35312C>T (NM_133432.3); c.34283C>T (NM_001267550.1); short protein forms P11111L, P10184L, P11428L.
Identifiers: ClinVar variation 809028 (VCV000809028.43), dbSNP rs1577290900, ClinGen allele CA349529054.